The following is an entry in ClinVar:

ClinVar aggregate classification (germline): Likely benign (1 of 4 stars; one submission).

Allele frequency attached by ClinVar (database versions not stated): gnomAD exomes below 0.00001 and 0.00001; TOPMed 0.00001; gnomAD 0.00004.
gnomAD v4.1: 10 of 1,611,800 alleles (0.00062%); highest among the groups gnomAD compares: Admixed American, 0.017%; no homozygotes.

Submission:

GeneDx
Classification: Likely benign. Last evaluated: 2017-08-07. Review status: criteria provided, single submitter. Criteria: GeneDx Variant Classification (06012015). Collection method: clinical testing. Allele origin: germline. Affected: yes.
Comment: This variant is considered likely benign or benign based on one or more of the following criteria: it is a conservative change, it occurs at a poorly conserved position in the protein, it is predicted to be benign by multiple in silico algorithms, and/or has population frequency not consistent with disease.

NM_001271.4(CHD2):c.4693-13T>A

Gene: CHD2 (chromodomain helicase DNA binding protein 2; plus strand). Cytogenetic location: 15q26.1.
Variant type: single nucleotide variant.
Coding change: c.4693-13T>A on transcript NM_001271.4 (MANE Select); 13 bases into the intron before coding-DNA position 4693, T replaced by A.
Molecular consequence: intron variant.
Genome position (GRCh38, 1-based): chr15:93,014,683, T>A. VCF-style: chr15-93014683-T-A. GRCh37 (hg19) VCF-style: chr15-93557913-T-A.
Identifiers: ClinVar variation 511310 (VCV000511310.1), dbSNP rs1364594839, ClinGen allele CA619621813.
Genomic context (GRCh38, chr15:93,014,683, plus strand): 5'-TGATAGCCTTTATTCTTCTCTGGGGAATTAAGCCTGGGATCTTGAGCTTCTTTGGTTTCC[T>A]TTTACTCTTTAGGAGCAAAAGAAGAAAGACGACGTGACTGGGGGTAAGAAACCATTTCGT-3'